The following is an entry in ClinVar:

ClinVar aggregate classification (germline): Pathogenic (1 of 4 stars; one submission).

Submission:

Labcorp Genetics (formerly Invitae), Labcorp
Classification: Pathogenic. Last evaluated: 2023-07-16. Review status: criteria provided, single submitter. Criteria: Invitae Variant Classification Sherloc (09022015). Collection method: clinical testing. Allele origin: unknown.
Comment: For these reasons, this variant has been classified as Pathogenic. This variant has not been reported in the literature in individuals affected with DOCK8-related conditions. This variant is a gross deletion of the genomic region encompassing exon(s) 33 of the DOCK8 gene. This deletion is out-of-frame, and is expected to create a premature termination codon and result in an absent or disrupted protein product. Loss-of-function variants in DOCK8 are known to be pathogenic (PMID: 14722525, 19776401).

Literature cited by the submitters: PubMed 14722525; PubMed 19776401.

NC_000009.11:g.(?_422028)_(422155_?)del

Gene: DOCK8 (dedicator of cytokinesis 8; plus strand). Cytogenetic location: 9p24.3.
Variant type: Deletion.
Identifiers: ClinVar variation 3245205 (VCV003245205.1).